The following is an entry in ClinVar:

ClinVar aggregate classification (germline): Uncertain significance (1 of 4 stars; one submission).

Conditions:
Hereditary cancer-predisposing syndrome. Also called: Hereditary neoplastic syndrome; Hereditary Cancer Syndrome; Neoplastic Syndromes, Hereditary; Tumor predisposition. Identifiers: Orphanet 140162, MedGen C0027672, MeSH D009386, MONDO:0015356.

Submission:

Color Diagnostics, LLC DBA Color Health
Classification: Uncertain significance for Hereditary cancer-predisposing syndrome. Last evaluated: 2023-01-23. Review status: criteria provided, single submitter. Criteria: ACMG Guidelines, 2015. Collection method: clinical testing. Allele origin: germline.
Comment: This missense variant replaces leucine with valine at codon 2080 of the APC protein. Computational prediction suggests that this variant may not impact protein structure and function (internally defined REVEL score threshold <= 0.5, PMID: 27666373). To our knowledge, functional studies have not been reported for this variant. This variant has not been reported in individuals affected with APC-related disorders in the literature. This variant has not been identified in the general population by the Genome Aggregation Database (gnomAD). The available evidence is insufficient to determine the role of this variant in disease conclusively. Therefore, this variant is classified as a Variant of Uncertain Significance.

NM_000038.6(APC):c.6238T>G (p.Leu2080Val)

Gene: APC (APC regulator of Wnt signaling pathway; plus strand). Cytogenetic location: 5q22.2.
Variant type: single nucleotide variant.
Coding change: c.6238T>G on transcript NM_000038.6 (MANE Select); coding-DNA position 6238, T replaced by G.
Protein change: p.Leu2080Val; replaces leucine 2080 with valine.
Molecular consequence: missense variant. On other transcripts: non-coding transcript variant (2).
Genome position (GRCh38, 1-based): chr5:112,841,832, T>G. VCF-style: chr5-112841832-T-G. GRCh37 (hg19) VCF-style: chr5-112177529-T-G.
Other names: c.6238T>G, p.Leu2080Val (NM_001127510.3, NM_001354895.2, NM_001407450.1); c.6184T>G, p.Leu2062Val (NM_001127511.3); c.6292T>G, p.Leu2098Val (NM_001354896.2, NM_001407447.1, NM_001407448.1 and 1 more transcripts); c.6268T>G, p.Leu2090Val (NM_001354897.2); c.6163T>G, p.Leu2055Val (NM_001354898.2); c.6154T>G, p.Leu2052Val (NM_001354899.2); c.6115T>G, p.Leu2039Val (NM_001354900.2); c.6061T>G, p.Leu2021Val (NM_001354901.2, NM_001407453.1); and 11 more; short protein forms L1797V, L1954V, L1979V, L1989V, L2039V, L2073V, L2090V, L2108V.
Identifiers: ClinVar variation 2773430 (VCV002773430.2), dbSNP rs2149960423, ClinGen allele CA16034992.
Genomic context (GRCh38, chr5:112,841,832, plus strand): 5'-AATGAAAAACATAGTCCCAGAAATATGGGTGGCATATTAGGTGAAGATCTGACACTTGAT[T>G]TGAAAGATATACAGAGACCAGATTCAGAACATGGTCTATCCCCTGATTCAGAAAATTTTG-3'
Protein context (NP_000029.2, residues 2070-2090): GILGEDLTLD[Leu2080Val]KDIQRPDSEH